The following is an entry in ClinVar:

NM_017950.4(CCDC40):c.950C>T (p.Thr317Ile)

Gene: CCDC40 (coiled-coil domain 40 molecular ruler complex subunit; plus strand). Cytogenetic location: 17q25.3.
Variant type: single nucleotide variant.
Coding change: c.950C>T on transcript NM_017950.4 (MANE Select); coding-DNA position 950, C replaced by T.
Protein change: p.Thr317Ile; replaces threonine 317 with isoleucine.
Molecular consequence: missense variant.
Genome position (GRCh38, 1-based): chr17:80,050,074, C>T. VCF-style: chr17-80050074-C-T. GRCh37 (hg19) VCF-style: chr17-78023873-C-T.
Other names: c.950C>T, p.Thr317Ile (NM_001243342.2, NM_001330508.2); short protein forms T317I.
Identifiers: ClinVar variation 1767214 (VCV001767214.3), dbSNP rs751751403, ClinGen allele CA401354995.

ClinVar aggregate classification (germline): Uncertain significance. Review status: criteria provided, multiple submitters, no conflicts (2 of 4 stars). 2 submissions from 2 submitters: Uncertain significance (2). Last evaluated 2023-07-22.

Conditions:
Primary ciliary dyskinesia. Also called: Ciliary dyskinesia. Identifiers: Orphanet 244, MedGen C0008780, MONDO:0016575, HP:0012265.

Allele frequency attached by ClinVar (database versions not stated): gnomAD 0.00002; TOPMed 0.00002.
gnomAD v4.1: 90 of 1,613,352 alleles (0.0056%); highest among the groups gnomAD compares: Non-Finnish European, 0.0073%; no homozygotes.

Submissions (2):

Labcorp Genetics (formerly Invitae), Labcorp
Classification: Uncertain significance for Primary ciliary dyskinesia. Last evaluated: 2023-07-22. Review status: criteria provided, single submitter. Criteria: Invitae Variant Classification Sherloc (09022015). Collection method: clinical testing. Allele origin: germline.
Comment: In summary, the available evidence is currently insufficient to determine the role of this variant in disease. Therefore, it has been classified as a Variant of Uncertain Significance. Advanced modeling of protein sequence and biophysical properties (such as structural, functional, and spatial information, amino acid conservation, physicochemical variation, residue mobility, and thermodynamic stability) performed at Invitae indicates that this missense variant is not expected to disrupt CCDC40 protein function. ClinVar contains an entry for this variant (Variation ID: 1767214). This variant has not been reported in the literature in individuals affected with CCDC40-related conditions. This variant is present in population databases (no rsID available, gnomAD 0.004%). This sequence change replaces threonine, which is neutral and polar, with isoleucine, which is neutral and non-polar, at codon 317 of the CCDC40 protein (p.Thr317Ile).

Ambry Genetics
Classification: Uncertain significance for Primary ciliary dyskinesia. Last evaluated: 2019-06-05. Review status: criteria provided, single submitter. Criteria: Ambry Variant Classification Scheme 2023. Collection method: clinical testing. Allele origin: germline.
Comment: The p.T317I variant (also known as c.950C>T), located in coding exon 7 of the CCDC40 gene, results from a C to T substitution at nucleotide position 950. The threonine at codon 317 is replaced by isoleucine, an amino acid with similar properties. This amino acid position is not well conserved in available vertebrate species. In addition, this alteration is predicted to be tolerated by in silico analysis. Since supporting evidence is limited at this time, the clinical significance of this alteration remains unclear.